The following is an entry in ClinVar:

ClinVar aggregate classification (germline): Uncertain significance (0 of 4 stars; one submission).

Conditions:
SCAPER-related disorder. Also called: SCAPER-related condition.

Submission:

PreventionGenetics, part of Exact Sciences
Classification: Uncertain significance for SCAPER-related condition. Last evaluated: 2024-08-29. Review status: no assertion criteria provided. Collection method: clinical testing. Allele origin: germline.
Comment: The SCAPER c.1902T>A variant is predicted to result in the amino acid substitution p.Phe634Leu. To our knowledge, this variant has not been reported in the literature or in a large population database, indicating this variant is rare. At this time, the clinical significance of this variant is uncertain due to the absence of conclusive functional and genetic evidence.

NM_020843.4(SCAPER):c.1884T>A (p.Phe628Leu)

Gene: SCAPER (S-phase cyclin A associated protein in the ER; minus strand). Cytogenetic location: 15q24.3.
Variant type: single nucleotide variant.
Coding change: c.1884T>A on transcript NM_020843.4 (MANE Select); coding-DNA position 1884, T replaced by A.
Protein change: p.Phe628Leu; replaces phenylalanine 628 with leucine.
Molecular consequence: missense variant. On other transcripts: non-coding transcript variant (1).
Genome position (GRCh38, 1-based): chr15:76,733,367, A>T on the plus strand (T>A on the coding strand, the complement: SCAPER is on the minus strand). VCF-style: chr15-76733367-A-T. GRCh37 (hg19) VCF-style: chr15-77025708-A-T.
Other names: c.1146T>A, p.Phe382Leu (NM_001145923.2); c.1902T>A, p.Phe634Leu (NM_001353009.2); c.1482T>A, p.Phe494Leu (NM_001353010.2, NM_001353012.2); c.1500T>A, p.Phe500Leu (NM_001353011.2); short protein forms F382L, F494L, F500L, F628L, F634L.
Identifiers: ClinVar variation 3346612 (VCV003346612.1).